The following is an entry in ClinVar:

ClinVar aggregate classification (germline): Uncertain significance. Review status: criteria provided, multiple submitters, no conflicts (2 of 4 stars). 2 submissions from 2 submitters: Uncertain significance (2). Last evaluated 2024-03-07.

Conditions:
Vesicoureteral reflux 3 (VUR3). Identifiers: Orphanet 289365, MedGen C3150927, MONDO:0013356, OMIM 613674.

Submissions (2):

Fulgent Genetics
Classification: Uncertain significance for Vesicoureteral reflux 3. Last evaluated: 2024-03-07. Review status: criteria provided, single submitter. Criteria: ACMG Guidelines, 2015. Collection method: clinical testing. Allele origin: germline.

GeneDx
Classification: Uncertain significance. Last evaluated: 2022-08-27. Review status: criteria provided, single submitter. Criteria: GeneDx Variant Classification Process June 2021. Collection method: clinical testing. Allele origin: germline. Affected: yes.
Comment: Not observed at significant frequency in large population cohorts (gnomAD); In-frame insertion of 2 amino acids in a non-repeat region; Has not been previously published as pathogenic or benign to our knowledge

NM_022454.4(SOX17):c.948_953dup (p.His325_His326insGlnHis)

Gene: SOX17 (SRY-box transcription factor 17; plus strand). Cytogenetic location: 8q11.23.
Variant type: Duplication.
Coding change: c.948_953dup on transcript NM_022454.4 (MANE Select); coding-DNA positions 948 to 953, 6 bases duplicated (ACACCA; older notation c.948_953dupACACCA).
Protein change: p.His325_His326insGlnHis.
Molecular consequence: inframe insertion.
Genome position (GRCh38, 1-based): chr8:54,459,698-54,459,703, ACACCA duplicated; duplicating any 6 consecutive bases within chr8:54,459,696-54,459,703 gives the same sequence; the c. name uses the placement nearest the transcript's 3' end. VCF-style (leftmost placement, unchanged base first): chr8-54459695-G-GCAACAC. GRCh37 (hg19) VCF-style: chr8-55372255-G-GCAACAC.
Identifiers: ClinVar variation 2442628 (VCV002442628.2), dbSNP rs1275692237, ClinGen allele CA582404166.